The following is an entry in ClinVar:

NC_000015.9:g.(?_98947180)_(101791661_?)dup

Genes: LYSMD4 (LysM domain containing 4; minus strand), MEF2A (myocyte enhancer factor 2A; plus strand), ASB7 (ankyrin repeat and SOCS box containing 7; plus strand), SYNM (synemin; plus strand), TTC23 (tetratricopeptide repeat domain 23; minus strand) and 9 more. Cytogenetic location: 15q26.3.
Variant type: Duplication.
Identifiers: ClinVar variation 1448913 (VCV001448913.1).

ClinVar aggregate classification (germline): Uncertain significance (1 of 4 stars; one submission).

Submission:

Labcorp Genetics (formerly Invitae), Labcorp
Classification: Uncertain significance. Last evaluated: 2021-10-08. Review status: criteria provided, single submitter. Criteria: Invitae Variant Classification Sherloc (09022015). Collection method: clinical testing. Allele origin: germline.
Comment: A copy number gain of the genomic region encompassing the full coding sequence of the ADAMTS17 gene has been identified. The boundaries of this event are unknown as they extend beyond the assayed region for this gene and therefore may encompass additional genes. As the precise location of this event is unknown, it may be in tandem or it may be located elsewhere in the genome. This variant has not been reported in the literature in individuals affected with ADAMTS17-related conditions. In summary, the available evidence is currently insufficient to determine the role of this variant in disease. Therefore, it has been classified as a Variant of Uncertain Significance.